The following is an entry in ClinVar:

ClinVar aggregate classification (germline): Uncertain significance (1 of 4 stars; one submission).

Submission:

Labcorp Genetics (formerly Invitae), Labcorp
Classification: Uncertain significance. Last evaluated: 2024-10-04. Review status: criteria provided, single submitter. Criteria: Invitae Variant Classification Sherloc (09022015). Collection method: clinical testing. Allele origin: germline.
Comment: This sequence change replaces glutamine, which is neutral and polar, with proline, which is neutral and non-polar, at codon 1195 of the PCLO protein (p.Gln1195Pro). This variant is not present in population databases (gnomAD no frequency). This variant has not been reported in the literature in individuals affected with PCLO-related conditions. An algorithm developed to predict the effect of missense changes on protein structure and function outputs the following: PolyPhen-2: "Not Available". The proline amino acid residue is found in multiple mammalian species, which suggests that this missense change does not adversely affect protein function. In summary, the available evidence is currently insufficient to determine the role of this variant in disease. Therefore, it has been classified as a Variant of Uncertain Significance.

NM_033026.6(PCLO):c.3584A>C (p.Gln1195Pro)

Gene: PCLO (piccolo presynaptic cytomatrix protein; minus strand). Cytogenetic location: 7q21.11.
Variant type: single nucleotide variant.
Coding change: c.3584A>C on transcript NM_033026.6 (MANE Select); coding-DNA position 3584, A replaced by C.
Protein change: p.Gln1195Pro; replaces glutamine 1195 with proline.
Molecular consequence: missense variant.
Genome position (GRCh38, 1-based): chr7:82,966,204, T>G on the plus strand (A>C on the coding strand, the complement: PCLO is on the minus strand). VCF-style: chr7-82966204-T-G. GRCh37 (hg19) VCF-style: chr7-82595520-T-G.
Other names: c.3584A>C, p.Gln1195Pro (NM_014510.3); short protein forms Q1195P.
Identifiers: ClinVar variation 3674556 (VCV003674556.2).